The following is an entry in ClinVar:

ClinVar aggregate classification (germline): Uncertain significance (1 of 4 stars; one submission).

Conditions:
Epilepsy, familial focal, with variable foci 3 (FFEVF3). Identifiers: MedGen C4310708, MONDO:0014925, OMIM 617118.

gnomAD v4.1: 6 of 1,612,590 alleles (0.00037%); highest among the groups gnomAD compares: Non-Finnish European, 0.00042%; no homozygotes.

Submission:

Labcorp Genetics (formerly Invitae), Labcorp
Classification: Uncertain significance for Epilepsy, familial focal, with variable foci 3. Last evaluated: 2024-06-09. Review status: criteria provided, single submitter. Criteria: Invitae Variant Classification Sherloc (09022015). Collection method: clinical testing. Allele origin: germline.
Comment: This sequence change replaces arginine, which is basic and polar, with glutamine, which is neutral and polar, at codon 536 of the NPRL3 protein (p.Arg536Gln). The frequency data for this variant in the population databases is considered unreliable, as metrics indicate poor data quality at this position in the gnomAD database. This variant has not been reported in the literature in individuals affected with NPRL3-related conditions. Advanced modeling of protein sequence and biophysical properties (such as structural, functional, and spatial information, amino acid conservation, physicochemical variation, residue mobility, and thermodynamic stability) performed at Invitae indicates that this missense variant is not expected to disrupt NPRL3 protein function with a negative predictive value of 80%. In summary, the available evidence is currently insufficient to determine the role of this variant in disease. Therefore, it has been classified as a Variant of Uncertain Significance.

NM_001077350.3(NPRL3):c.1607G>A (p.Arg536Gln)

Gene: NPRL3 (NPR3 like, GATOR1 complex subunit; minus strand). Cytogenetic location: 16p13.3.
Variant type: single nucleotide variant.
Coding change: c.1607G>A on transcript NM_001077350.3 (MANE Select); coding-DNA position 1607, G replaced by A.
Protein change: p.Arg536Gln; replaces arginine 536 with glutamine.
Molecular consequence: missense variant.
Genome position (GRCh38, 1-based): chr16:86,808, C>T on the plus strand (G>A on the coding strand, the complement: NPRL3 is on the minus strand). VCF-style: chr16-86808-C-T. GRCh37 (hg19) VCF-style: chr16-136807-C-T.
Other names: c.1532G>A, p.Arg511Gln (NM_001243248.2, NM_001243249.2); c.1070G>A, p.Arg357Gln (NM_001039476.3); c.1373G>A, p.Arg458Gln (NM_001243247.2); short protein forms R511Q, R536Q, R357Q, R458Q.
Identifiers: ClinVar variation 3712805 (VCV003712805.2).